The following is an entry in ClinVar:

NM_000094.4(COL7A1):c.6721C>T (p.Gln2241Ter)

Gene: COL7A1 (collagen type VII alpha 1 chain; minus strand). Cytogenetic location: 3p21.31.
Variant type: single nucleotide variant.
Coding change: c.6721C>T on transcript NM_000094.4 (MANE Select); coding-DNA position 6721, C replaced by T.
Protein change: p.Gln2241Ter; replaces glutamine 2241 with a stop codon.
Molecular consequence: nonsense.
Genome position (GRCh38, 1-based): chr3:48,573,050, G>A on the plus strand (C>T on the coding strand, the complement: COL7A1 is on the minus strand). VCF-style: chr3-48573050-G-A. GRCh37 (hg19) VCF-style: chr3-48610483-G-A.
Other names: short protein forms Q2241*.
Identifiers: ClinVar variation 2862675 (VCV002862675.3), dbSNP rs2530915443, ClinGen allele CA352655166.

ClinVar aggregate classification (germline): Pathogenic (1 of 4 stars; one submission).

Submission:

Labcorp Genetics (formerly Invitae), Labcorp
Classification: Pathogenic. Last evaluated: 2023-06-23. Review status: criteria provided, single submitter. Criteria: Invitae Variant Classification Sherloc (09022015). Collection method: clinical testing. Allele origin: germline.
Comment: For these reasons, this variant has been classified as Pathogenic. This variant has not been reported in the literature in individuals affected with COL7A1-related conditions. This variant is not present in population databases (gnomAD no frequency). This sequence change creates a premature translational stop signal (p.Gln2241*) in the COL7A1 gene. It is expected to result in an absent or disrupted protein product. Loss-of-function variants in COL7A1 are known to be pathogenic (PMID: 16971478).

Literature cited by the submitters: PubMed 16971478.